The following is an entry in ClinVar:

ClinVar aggregate classification (germline): Uncertain significance. Review status: criteria provided, multiple submitters, no conflicts (2 of 4 stars). 3 submissions from 3 submitters: Uncertain significance (3). Last evaluated 2026-01-25.

Conditions:
Cardiovascular phenotype. Identifiers: MedGen CN230736.
Hypertrophic cardiomyopathy. Also called: HYPERTROPHIC MYOCARDIOPATHY. Identifiers: Orphanet 217569, MedGen C0007194, MeSH D002312, MONDO:0005045, HP:0001639.

Allele frequency attached by ClinVar (database versions not stated): gnomAD exomes below 0.00001.
gnomAD v4.1: 1 of 1,607,698 alleles (0.000062%); highest among the groups gnomAD compares: Non-Finnish European, 0.000085%; no homozygotes.

Submissions (3):

Labcorp Genetics (formerly Invitae), Labcorp
Classification: Uncertain significance for Hypertrophic cardiomyopathy. Last evaluated: 2026-01-25. Review status: criteria provided, single submitter. Criteria: Invitae Variant Classification Sherloc (09022015). Collection method: clinical testing. Allele origin: germline.
Comment: This sequence change replaces phenylalanine, which is neutral and non-polar, with serine, which is neutral and polar, at codon 1140 of the MYBPC3 protein (p.Phe1140Ser). This variant is not present in population databases (gnomAD no frequency). This variant has not been reported in the literature in individuals affected with MYBPC3-related conditions. ClinVar contains an entry for this variant (Variation ID: 3071982). An algorithm developed to predict the effect of missense changes on protein structure and function (PolyPhen-2) suggests that this variant is likely to be disruptive. In summary, the available evidence is currently insufficient to determine the role of this variant in disease. Therefore, it has been classified as a Variant of Uncertain Significance.

Ambry Genetics
Classification: Uncertain significance for Cardiovascular phenotype. Last evaluated: 2025-01-06. Review status: criteria provided, single submitter. Criteria: Ambry Variant Classification Scheme 2023. Collection method: clinical testing. Allele origin: germline.
Comment: The p.F1140S variant (also known as c.3419T>C), located in coding exon 31 of the MYBPC3 gene, results from a T to C substitution at nucleotide position 3419. The phenylalanine at codon 1140 is replaced by serine, an amino acid with highly dissimilar properties. This amino acid position is conserved. In addition, the in silico prediction for this alteration is inconclusive. Based on the available evidence, the clinical significance of this variant remains unclear.

All of Us Research Program, National Institutes of Health
Classification: Uncertain significance for Hypertrophic cardiomyopathy. Last evaluated: 2023-06-26. Review status: criteria provided, single submitter. Criteria: ACMG Guidelines, 2015. Collection method: clinical testing. Allele origin: germline. Inheritance: Autosomal dominant inheritance. Observed: 1 variant allele, 1 heterozygote.
Comment: This missense variant replaces phenylalanine with serine at codon 1140 of the MYBPC3 protein. Computational prediction suggests that this variant may not impact protein structure and function (internally defined REVEL score threshold <= 0.5, PMID: 27666373). To our knowledge, functional studies have not been reported for this variant. This variant has not been reported in individuals affected with MYBPC3-related disorders in the literature. This variant has not been identified in the general population by the Genome Aggregation Database (gnomAD). The available evidence is insufficient to determine the role of this variant in disease conclusively. Therefore, this variant is classified as a Variant of Uncertain Significance.

This study involves interpretation of variants in research participants for the purpose of population health screening. Participant phenotype was not available at the time of variant classification. Additional details can be found in publication PMID: 35346344, PMCID: PMC8962531

NM_000256.3(MYBPC3):c.3419T>C (p.Phe1140Ser)

Gene: MYBPC3 (myosin binding protein C3; minus strand). Cytogenetic location: 11p11.2.
Variant type: single nucleotide variant.
Coding change: c.3419T>C on transcript NM_000256.3 (MANE Select); coding-DNA position 3419, T replaced by C.
Protein change: p.Phe1140Ser; replaces phenylalanine 1140 with serine.
Molecular consequence: missense variant.
Genome position (GRCh38, 1-based): chr11:47,332,885, A>G on the plus strand (T>C on the coding strand, the complement: MYBPC3 is on the minus strand). VCF-style: chr11-47332885-A-G. GRCh37 (hg19) VCF-style: chr11-47354436-A-G.
Other names: short protein forms F1140S.
Identifiers: ClinVar variation 3071982 (VCV003071982.4), dbSNP rs2495738671, ClinGen allele CA380313435.